The following is an entry in ClinVar:

NM_001276309.3(NOL3):c.383C>A (p.Pro128His)

Gene: NOL3 (nucleolar protein 3; plus strand). Cytogenetic location: 16q22.1.
Variant type: single nucleotide variant.
Coding change: c.383C>A on transcript NM_001276309.3 (MANE Select); coding-DNA position 383, C replaced by A.
Protein change: p.Pro128His; replaces proline 128 with histidine.
Molecular consequence: missense variant.
Genome position (GRCh38, 1-based): chr16:67,174,708, C>A. VCF-style: chr16-67174708-C-A. GRCh37 (hg19) VCF-style: chr16-67208611-C-A.
Other names: c.373C>A, p.Pro125Thr (NM_001185057.3, NM_001394977.1, NM_001394978.1); c.383C>A, p.Pro128His (NM_001276307.3, NM_001276312.3, NM_001394973.1 and 2 more transcripts); c.259C>A, p.Pro87Thr (NM_001276311.2, NM_001394974.1, NM_001394975.1 and 1 more transcripts); short protein forms P87T, P125T, P128H.
Identifiers: ClinVar variation 1033400 (VCV001033400.1), dbSNP rs755455245, ClinGen allele CA396285880.

ClinVar aggregate classification (germline): Uncertain significance (1 of 4 stars; one submission).

Conditions:
Myoclonus, familial, 1 (MYOCL1). Also called: Familial cortical myoclonus. Identifiers: MedGen C3539916, MONDO:0100093, OMIM 614937.

Submission:

Baylor Genetics
Classification: Uncertain significance for Myoclonus, familial, 1. Last evaluated: 2018-11-17. Review status: criteria provided, single submitter. Criteria: ACMG Guidelines, 2015. Collection method: clinical testing. Allele origin: paternal. Affected: yes.
Comment: This variant was determined to be of uncertain significance according to ACMG Guidelines, 2015 [PMID:25741868].